The following is an entry in ClinVar:

ClinVar aggregate classification (germline): Uncertain significance (1 of 4 stars; one submission).

Submission:

Labcorp Genetics (formerly Invitae), Labcorp
Classification: Uncertain significance. Last evaluated: 2022-03-26. Review status: criteria provided, single submitter. Criteria: Invitae Variant Classification Sherloc (09022015). Collection method: clinical testing. Allele origin: germline.
Comment: In summary, the available evidence is currently insufficient to determine the role of this variant in disease. Therefore, it has been classified as a Variant of Uncertain Significance. Variants that disrupt the consensus splice site are a relatively common cause of aberrant splicing (PMID: 17576681, 9536098). Algorithms developed to predict the effect of sequence changes on RNA splicing suggest that this variant may disrupt the consensus splice site. This variant has not been reported in the literature in individuals affected with CA2-related conditions. This variant is not present in population databases (gnomAD no frequency). This sequence change falls in intron 5 of the CA2 gene. It does not directly change the encoded amino acid sequence of the CA2 protein. It affects a nucleotide within the consensus splice site.

Literature cited by the submitters: PubMed 17576681; PubMed 9536098.

NM_000067.3(CA2):c.508-3T>G

Gene: CA2 (carbonic anhydrase 2; plus strand). Cytogenetic location: 8q21.2.
Variant type: single nucleotide variant.
Coding change: c.508-3T>G on transcript NM_000067.3 (MANE Select); 3 bases into the intron before coding-DNA position 508, T replaced by G.
Molecular consequence: intron variant.
Genome position (GRCh38, 1-based): chr8:85,477,117, T>G. VCF-style: chr8-85477117-T-G. GRCh37 (hg19) VCF-style: chr8-86389346-T-G.
Other names: c.205-3T>G (NM_001293675.2).
Identifiers: ClinVar variation 1938704 (VCV001938704.5), dbSNP rs2536489421, ClinGen allele CA2579200347.